The following is an entry in ClinVar:

ClinVar aggregate classification (germline): Likely benign. Review status: criteria provided, single submitter (1 of 4 stars). 2 submissions from 2 submitters: Likely benign (1). 1 of the submissions does not count toward it. Last evaluated 2026-01-05.

Conditions:
Mitochondrial hypertrophic cardiomyopathy with lactic acidosis due to MTO1 deficiency. Also called: CARDIOMYOPATHY, INFANTILE HYPERTROPHIC MITOCHONDRIAL, AND LACTIC ACIDOSIS; Combined oxidative phosphorylation deficiency 10. Identifiers: Orphanet 314637, MedGen C4749921, MONDO:0013865, OMIM 614702.
MTO1-related disorder. Also called: MTO1-related condition.

Submissions (2):

Labcorp Genetics (formerly Invitae), Labcorp
Classification: Likely benign for Mitochondrial hypertrophic cardiomyopathy with lactic acidosis due to MTO1 deficiency. Last evaluated: 2026-01-05. Review status: criteria provided, single submitter. Criteria: Invitae Variant Classification Sherloc (09022015). Collection method: clinical testing. Allele origin: germline.

PreventionGenetics, part of Exact Sciences
Classification: Likely benign for MTO1-related condition. Last evaluated: 2019-11-07. Review status: no assertion criteria provided. Collection method: clinical testing. Allele origin: germline. Not counted in ClinVar's aggregate classification.
Comment: This variant is classified as likely benign based on ACMG/AMP sequence variant interpretation guidelines (Richards et al. 2015 PMID: 25741868, with internal and published modifications).

NM_012123.4(MTO1):c.1129+8_1129+10del

Gene: MTO1 (mitochondrial tRNA translation optimization 1; plus strand). Cytogenetic location: 6q13.
Variant type: Microsatellite.
Coding change: c.1129+8_1129+10del on transcript NM_012123.4 (MANE Select); bases 8 to 10 of the intron after coding-DNA position 1129, 3 bases deleted (AGA; older notation c.1129+8_1129+10delAGA).
Molecular consequence: intron variant.
Genome position (GRCh38, 1-based): chr6:73,480,134-73,480,136, AGA deleted; deleting any 3 consecutive bases within chr6:73,480,130-73,480,136 gives the same sequence; the c. name uses the placement nearest the transcript's 3' end. VCF-style (leftmost placement, unchanged base first): chr6-73480129-AAAG-A. GRCh37 (hg19) VCF-style: chr6-74189852-AAAG-A.
Other names: c.1129+8_1129+10delAGA (NM_012123.3); c.1129+8_1129+10del (NM_133645.3, NM_001123226.2).
Identifiers: ClinVar variation 1634986 (VCV001634986.10), dbSNP rs758510777, ClinGen allele CA3889524.